The following is an entry in ClinVar:

NM_001009944.3(PKD1):c.5321C>G (p.Pro1774Arg)

Gene: PKD1 (polycystin 1, transient receptor potential channel interacting; minus strand). Cytogenetic location: 16p13.3.
Variant type: single nucleotide variant.
Coding change: c.5321C>G on transcript NM_001009944.3 (MANE Select); coding-DNA position 5321, C replaced by G.
Protein change: p.Pro1774Arg; replaces proline 1774 with arginine.
Molecular consequence: missense variant.
Genome position (GRCh38, 1-based): chr16:2,109,846, G>C on the plus strand (C>G on the coding strand, the complement: PKD1 is on the minus strand). VCF-style: chr16-2109846-G-C. GRCh37 (hg19) VCF-style: chr16-2159847-G-C.
Other names: c.5321C>G, p.Pro1774Arg (NM_000296.4); short protein forms P1774R.
Identifiers: ClinVar variation 4980978 (VCV004980978.1).

ClinVar aggregate classification (germline): Uncertain significance (1 of 4 stars; one submission).

Conditions:
PKD1-related disorder. Also called: PKD1-related condition.

gnomAD v4.1: 5 of 1,610,574 alleles (0.00031%); highest among the groups gnomAD compares: Non-Finnish European, 0.00042%; no homozygotes.

Submission:

PreventionGenetics, part of Exact Sciences
Classification: Uncertain significance for PKD1-related condition. Last evaluated: 2026-01-12. Review status: criteria provided, single submitter. Criteria: ACMG Guidelines, 2015. Collection method: clinical testing. Allele origin: germline.
Comment: The PKD1 c.5321C>G variant is predicted to result in the amino acid substitution p.Pro1774Arg. To our knowledge, this variant has not been reported in the literature or in a large population database (gnomAD), indicating this variant is rare. At this time, the clinical significance of this variant is uncertain due to the absence of conclusive functional and genetic evidence.